The following is an entry in ClinVar:

ClinVar aggregate classification (germline): Uncertain significance (1 of 4 stars; one submission).

Conditions:
Inborn genetic diseases. Identifiers: MedGen C0950123, MeSH D030342.

Submission:

Ambry Genetics
Classification: Uncertain significance for Inborn genetic diseases. Last evaluated: 2026-01-11. Review status: criteria provided, single submitter. Criteria: Ambry Variant Classification Scheme 2023. Collection method: clinical testing. Allele origin: germline.
Comment: The p.N261S variant (also known as c.782A>G), located in coding exon 9 of the ASXL1 gene, results from an A to G substitution at nucleotide position 782. The asparagine at codon 261 is replaced by serine, an amino acid with highly similar properties. This amino acid position is conserved. In addition, this alteration is predicted to be tolerated by in silico analysis. Based on the available evidence, the clinical significance of this variant remains unclear.

NM_015338.6(ASXL1):c.782A>G (p.Asn261Ser)

Gene: ASXL1 (ASXL transcriptional regulator 1; plus strand). Cytogenetic location: 20q11.21.
Variant type: single nucleotide variant.
Coding change: c.782A>G on transcript NM_015338.6 (MANE Select); coding-DNA position 782, A replaced by G.
Protein change: p.Asn261Ser; replaces asparagine 261 with serine.
Molecular consequence: missense variant.
Genome position (GRCh38, 1-based): chr20:32,431,384, A>G. VCF-style: chr20-32431384-A-G. GRCh37 (hg19) VCF-style: chr20-31019187-A-G.
Other names: c.599A>G, p.Asn200Ser (NM_001363734.1); short protein forms N261S, N200S.
Identifiers: ClinVar variation 4843671 (VCV004843671.1).
Genomic context (GRCh38, chr20:32,431,384, plus strand): 5'-AAATGAAGCGCAACAGAGGGGAAGAAATAGATTTTGAGACACCTGGGTCCATTCTTGTCA[A>G]CACCAACCTCCGTGCCCTGATCAACTCTCGGACCTTCCATGCCTTACCATCACACTTCCA-3'
Protein context (NP_056153.2, residues 251-271): DFETPGSILV[Asn261Ser]TNLRALINSR